The following is an entry in ClinVar:

NM_024757.5(EHMT1):c.2556C>T (p.Tyr852=)

Gene: EHMT1 (euchromatic histone lysine methyltransferase 1; plus strand). Cytogenetic location: 9q34.3.
Variant type: single nucleotide variant.
Coding change: c.2556C>T on transcript NM_024757.5 (MANE Select); coding-DNA position 2556, C replaced by T.
Protein change: p.Tyr852=; no amino-acid change (tyrosine 852 retained).
Molecular consequence: synonymous variant.
Genome position (GRCh38, 1-based): chr9:137,798,863, C>T. VCF-style: chr9-137798863-C-T. GRCh37 (hg19) VCF-style: chr9-140693315-C-T.
Other names: c.2535C>T, p.Tyr845= (NM_001354263.2).
Identifiers: ClinVar variation 740624 (VCV000740624.19), dbSNP rs369283972, ClinGen allele CA5374985.

ClinVar aggregate classification (germline): Likely benign. Review status: criteria provided, multiple submitters, no conflicts (2 of 4 stars). 4 submissions from 4 submitters: Likely benign (3). 1 of the submissions does not count toward it. Last evaluated 2025-10-01.

Conditions:
EHMT1-related disorder. Also called: EHMT1-related condition.
Kleefstra syndrome 1 (KLEFS1). Identifiers: Orphanet 261494, MedGen C0795833, MONDO:0027407, OMIM 610253.

Allele frequency attached by ClinVar (database versions not stated): gnomAD exomes 0.00001; TOPMed 0.00001; ExAC 0.00002; ESP Exome Variant Server 0.00008.
gnomAD v4.1: 20 of 1,614,192 alleles (0.0012%); highest among the groups gnomAD compares: Middle Eastern, 0.049%; no homozygotes.

Submissions (4):

CeGaT Center for Human Genetics Tuebingen
Classification: Likely benign. Last evaluated: 2025-10-01. Review status: criteria provided, single submitter. Criteria: CeGaT Center For Human Genetics Tuebingen Variant Classification Criteria Version 2. Collection method: clinical testing. Allele origin: germline. Affected: yes. Observed: 1 variant allele.
Comment: EHMT1: BP4, BP7

Labcorp Genetics (formerly Invitae), Labcorp
Classification: Likely benign for Kleefstra syndrome 1. Last evaluated: 2025-03-04. Review status: criteria provided, single submitter. Criteria: Invitae Variant Classification Sherloc (09022015). Collection method: clinical testing. Allele origin: germline.

GeneDx
Classification: Likely benign. Last evaluated: 2019-01-14. Review status: criteria provided, single submitter. Criteria: GeneDx Variant Classification Process June 2021. Collection method: clinical testing. Allele origin: germline. Affected: yes.

PreventionGenetics, part of Exact Sciences
Classification: Likely benign for EHMT1-related condition. Last evaluated: 2019-08-27. Review status: no assertion criteria provided. Collection method: clinical testing. Allele origin: germline. Not counted in ClinVar's aggregate classification.
Comment: This variant is classified as likely benign based on ACMG/AMP sequence variant interpretation guidelines (Richards et al. 2015 PMID: 25741868, with internal and published modifications).